The following is an entry in ClinVar:

ClinVar aggregate classification (germline): Conflicting classifications of pathogenicity. Review status: criteria provided, conflicting classifications (1 of 4 stars). 3 submissions from 3 submitters: Likely pathogenic (1); Uncertain significance (2). Last evaluated 2025-07-07.

Conditions:
Idiopathic Pulmonary Fibrosis. Also called: Idiopathic fibrosing alveolitis, chronic form; idiopathic fibrosing alveolitis. Identifiers: Orphanet 2032, MedGen C1800706, MeSH D054990, MONDO:0800504.
Dyskeratosis congenita, autosomal dominant 2. Identifiers: MedGen C3151443, MONDO:0013521, OMIM 613989.
Dyskeratosis congenita. Identifiers: Orphanet 1775, MedGen C0265965, MONDO:0015780.
Pulmonary fibrosis and/or bone marrow failure, Telomere-related, 1. Also called: PULMONARY FIBROSIS AND/OR BONE MARROW FAILURE SYNDROME, TELOMERE-RELATED, 1. Identifiers: Orphanet 88, MedGen C3553617, MONDO:0013878, OMIM 614742.

Allele frequency attached by ClinVar (database versions not stated): ExAC below 0.00001; gnomAD exomes below 0.00001.
gnomAD v4.1: 1 of 1,564,104 alleles (0.000064%); highest among the groups gnomAD compares: South Asian, 0.0012%; no homozygotes.

Submissions (3):

Labcorp Genetics (formerly Invitae), Labcorp
Classification: Uncertain significance for Dyskeratosis congenita, autosomal dominant 2; Idiopathic Pulmonary Fibrosis. Last evaluated: 2025-07-07. Review status: criteria provided, single submitter. Criteria: Invitae Variant Classification Sherloc (09022015). Collection method: clinical testing. Allele origin: germline.
Comment: This sequence change replaces histidine, which is basic and polar, with leucine, which is neutral and non-polar, at codon 455 of the TERT protein (p.His455Leu). This variant is not present in population databases (gnomAD no frequency). This variant has not been reported in the literature in individuals affected with TERT-related conditions. ClinVar contains an entry for this variant (Variation ID: 1038168). Invitae Evidence Modeling of protein sequence and biophysical properties (such as structural, functional, and spatial information, amino acid conservation, physicochemical variation, residue mobility, and thermodynamic stability) indicates that this missense variant is expected to disrupt TERT protein function with a positive predictive value of 95%. In summary, the available evidence is currently insufficient to determine the role of this variant in disease. Therefore, it has been classified as a Variant of Uncertain Significance.

Ambry Genetics
Classification: Uncertain significance for Dyskeratosis congenita. Last evaluated: 2024-12-06. Review status: criteria provided, single submitter. Criteria: Ambry Variant Classification Scheme 2023. Collection method: clinical testing. Allele origin: germline.
Comment: The p.H455L variant (also known as c.1364A>T), located in coding exon 2 of the TERT gene, results from an A to T substitution at nucleotide position 1364. The histidine at codon 455 is replaced by leucine, an amino acid with similar properties. This amino acid position is conserved. In addition, this alteration is predicted to be deleterious by in silico analysis. Based on the available evidence, the clinical significance of this variant remains unclear.

Garcia Pulmonary Genetics Research Laboratory, Columbia University Irving Medical Center
Classification: Likely pathogenic for Pulmonary fibrosis and/or bone marrow failure, Telomere-related, 1. Last evaluated: 2022-05-19. Review status: criteria provided, single submitter. Criteria: ACMG Guidelines, 2015. Collection method: research. Allele origin: germline. Affected: yes. Observed: 1 variant allele.

NM_198253.3(TERT):c.1364A>T (p.His455Leu)

Gene: TERT (telomerase reverse transcriptase; minus strand). Cytogenetic location: 5p15.33.
Variant type: single nucleotide variant.
Coding change: c.1364A>T on transcript NM_198253.3 (MANE Select); coding-DNA position 1364, A replaced by T.
Protein change: p.His455Leu; replaces histidine 455 with leucine.
Molecular consequence: missense variant. On other transcripts: non-coding transcript variant (2).
Genome position (GRCh38, 1-based): chr5:1,293,522, T>A on the plus strand (A>T on the coding strand, the complement: TERT is on the minus strand). VCF-style: chr5-1293522-T-A. GRCh37 (hg19) VCF-style: chr5-1293637-T-A.
Other names: c.1364A>T (NM_198253.2); c.1364A>T, p.His455Leu (NM_001193376.3); short protein forms H455L.
Identifiers: ClinVar variation 1038168 (VCV001038168.34), dbSNP rs781329984, ClinGen allele CA3184852.